The following is an entry in ClinVar:

NM_001291303.3(FAT4):c.13033A>G (p.Ile4345Val)

Gene: FAT4 (FAT atypical cadherin 4; plus strand). Cytogenetic location: 4q28.1.
Variant type: single nucleotide variant.
Coding change: c.13033A>G on transcript NM_001291303.3 (MANE Select); coding-DNA position 13033, A replaced by G.
Protein change: p.Ile4345Val; replaces isoleucine 4345 with valine.
Molecular consequence: missense variant.
Genome position (GRCh38, 1-based): chr4:125,487,555, A>G. VCF-style: chr4-125487555-A-G. GRCh37 (hg19) VCF-style: chr4-126408710-A-G.
Other names: c.13033A>G, p.Ile4345Val (NM_001291285.3); c.13027A>G, p.Ile4343Val (NM_024582.6); c.13027A>G (NM_024582.4); short protein forms I4343V, I4345V.
Identifiers: ClinVar variation 1926870 (VCV001926870.3), dbSNP rs1425185124, ClinGen allele CA358134690.

ClinVar aggregate classification (germline): Uncertain significance. Review status: criteria provided, multiple submitters, no conflicts (2 of 4 stars). 2 submissions from 2 submitters: Uncertain significance (2). Last evaluated 2024-01-03.

Conditions:
Inborn genetic diseases. Identifiers: MedGen C0950123, MeSH D030342.

gnomAD v4.1: 5 of 1,613,454 alleles (0.00031%); highest among the groups gnomAD compares: Admixed American, 0.0033%; no homozygotes.

Submissions (2):

Ambry Genetics
Classification: Uncertain significance for Inborn genetic diseases. Last evaluated: 2024-01-03. Review status: criteria provided, single submitter. Criteria: Ambry Variant Classification Scheme 2023. Collection method: clinical testing. Allele origin: germline.

Labcorp Genetics (formerly Invitae), Labcorp
Classification: Uncertain significance. Last evaluated: 2022-01-03. Review status: criteria provided, single submitter. Criteria: Invitae Variant Classification Sherloc (09022015). Collection method: clinical testing. Allele origin: germline.
Comment: This sequence change replaces isoleucine, which is neutral and non-polar, with valine, which is neutral and non-polar, at codon 4343 of the FAT4 protein (p.Ile4343Val). This variant is present in population databases (no rsID available, gnomAD 0.003%). This variant has not been reported in the literature in individuals affected with FAT4-related conditions. Advanced modeling of protein sequence and biophysical properties (such as structural, functional, and spatial information, amino acid conservation, physicochemical variation, residue mobility, and thermodynamic stability) performed at Invitae indicates that this missense variant is not expected to disrupt FAT4 protein function. In summary, the available evidence is currently insufficient to determine the role of this variant in disease. Therefore, it has been classified as a Variant of Uncertain Significance.